The following is an entry in ClinVar:

NM_022124.6(CDH23):c.2854G>A (p.Glu952Lys)

Gene: CDH23 (cadherin related 23; plus strand). Cytogenetic location: 10q22.1.
Variant type: single nucleotide variant.
Coding change: c.2854G>A on transcript NM_022124.6 (MANE Select); coding-DNA position 2854, G replaced by A.
Protein change: p.Glu952Lys; replaces glutamic acid 952 with lysine.
Molecular consequence: missense variant.
Genome position (GRCh38, 1-based): chr10:71,705,031, G>A. VCF-style: chr10-71705031-G-A. GRCh37 (hg19) VCF-style: chr10-73464788-G-A.
Other names: c.2854G>A, p.Glu952Lys (NM_001171930.2, NM_001171931.2); short protein forms E952K.
Identifiers: ClinVar variation 448998 (VCV000448998.19), dbSNP rs370554545, ClinGen allele CA5544356.

ClinVar aggregate classification (germline): Benign/Likely benign. Review status: criteria provided, multiple submitters, no conflicts (2 of 4 stars). 5 submissions from 5 submitters: Benign (1); Likely benign (3). 1 of the submissions does not count toward it. Last evaluated 2026-01-28.

Conditions:
CDH23-related disorder. Also called: CDH23-related condition; CDH23-related disorders.

Allele frequency attached by ClinVar (database versions not stated): ESP Exome Variant Server 0.00008; gnomAD 0.00008 and 0.00009; gnomAD exomes 0.00014 and 0.00058; TOPMed 0.00022; ExAC 0.00064.
gnomAD v4.1: 210 of 1,612,574 alleles (0.013%); highest among the groups gnomAD compares: Admixed American, 0.22%; no homozygotes.

Submissions (5):

Labcorp Genetics (formerly Invitae), Labcorp
Classification: Likely benign. Last evaluated: 2026-01-28. Review status: criteria provided, single submitter. Criteria: Invitae Variant Classification Sherloc (09022015). Collection method: clinical testing. Allele origin: germline.

Blueprint Genetics
Classification: Benign. Last evaluated: 2023-01-19. Review status: criteria provided, single submitter. Criteria: ACMG Guidelines, 2015. Collection method: clinical testing. Allele origin: germline.

GeneDx
Classification: Likely benign. Last evaluated: 2020-06-05. Review status: criteria provided, single submitter. Criteria: GeneDx Variant Classification Process June 2021. Collection method: clinical testing. Allele origin: germline. Affected: yes.
Comment: This variant is associated with the following publications: (PMID: 30245029, 23525850)

Laboratory for Molecular Medicine, Mass General Brigham Personalized Medicine
Classification: Likely benign. Last evaluated: 2017-07-13. Review status: criteria provided, single submitter. Criteria: LMM Criteria. Collection method: clinical testing. Allele origin: germline. Observed: 1 variant allele.
Comment: p.Glu952Lys in exon 25 of CDH23: This variant is not expected to have clinical s ignificance because it has been identified in 0.34% (116/34368) of Latino chromo somes by the Genome Aggregation Database (gnomAD, rg; dbSNP rs370554545).

PreventionGenetics, part of Exact Sciences
Classification: Likely benign for CDH23-related condition. Last evaluated: 2021-08-19. Review status: no assertion criteria provided. Collection method: clinical testing. Allele origin: germline. Not counted in ClinVar's aggregate classification.
Comment: This variant is classified as likely benign based on ACMG/AMP sequence variant interpretation guidelines (Richards et al. 2015 PMID: 25741868, with internal and published modifications).

Literature cited by the submitters: PubMed 23525850 (cited by Laboratory for Molecular Medicine, Mass General Brigham Personalized Medicine).